The following is an entry in ClinVar:

NM_001267550.2(TTN):c.75663dup (p.Cys25222fs)

Genes: TTN (titin; minus strand), TTN-AS1 (TTN antisense RNA 1; plus strand). Cytogenetic location: 2q31.2.
Variant type: Duplication.
Coding change: c.75663dup on transcript NM_001267550.2 (MANE Select); coding-DNA position 75663, one base duplicated (A; older notation c.75663dupA).
Protein change: p.Cys25222fs; shifts the reading frame from cysteine 25222.
Molecular consequence: frameshift variant.
Genome position (GRCh38, 1-based): chr2:178,570,469, T duplicated on the plus strand (A on the coding strand, the reverse complement: TTN is on the minus strand); the first of 5 consecutive T bases (chr2:178,570,469-178,570,473); duplicating any one gives the same sequence. VCF-style (leftmost placement, unchanged base first): chr2-178570468-A-AT. GRCh37 (hg19) VCF-style: chr2-179435195-A-AT.
Other names: c.70740dup, p.Cys23581fs (NM_001256850.1); c.48468dup, p.Cys16157fs (NM_003319.4); c.67959dup, p.Cys22654fs (NM_133378.4); c.48843dup, p.Cys16282fs (NM_133432.3); c.49044dup, p.Cys16349fs (NM_133437.4); short protein forms C16282fs, C16349fs, C22654fs, C16157fs, C23581fs, C25222fs.
Identifiers: ClinVar variation 2118365 (VCV002118365.4), dbSNP rs1131691542, ClinGen allele CA2580064604.

ClinVar aggregate classification (germline): Likely pathogenic (1 of 4 stars; one submission).

Conditions:
Dilated cardiomyopathy 1G (CMD1G). Identifiers: Orphanet 154, MedGen C1858763, MONDO:0011400, OMIM 604145.
Autosomal recessive limb-girdle muscular dystrophy type 2J (LGMDR10). Also called: Limb-girdle muscular dystrophy, type 2J; MUSCULAR DYSTROPHY, LIMB-GIRDLE, AUTOSOMAL RECESSIVE 10. Identifiers: Orphanet 140922, MedGen C1837342, MONDO:0012127, OMIM 608807.

Submission:

Labcorp Genetics (formerly Invitae), Labcorp
Classification: Likely pathogenic for Dilated cardiomyopathy 1G; Autosomal recessive limb-girdle muscular dystrophy type 2J. Last evaluated: 2022-03-27. Review status: criteria provided, single submitter. Criteria: Invitae Variant Classification Sherloc (09022015). Collection method: clinical testing. Allele origin: germline.
Comment: In summary, the currently available evidence indicates that the variant is pathogenic, but additional data are needed to prove that conclusively. Therefore, this variant has been classified as Likely Pathogenic. This variant is located in the A band of TTN (PMID: 25589632). Truncating variants in this region are significantly overrepresented in patients affected with dilated cardiomyopathy (PMID: 25589632). Truncating variants in this region have also been reported in individuals affected with autosomal recessive centronuclear myopathy (PMID: 23975875). This variant has not been reported in the literature in individuals affected with TTN-related conditions. This variant is not present in population databases (gnomAD no frequency). This sequence change creates a premature translational stop signal (p.Cys25222Metfs*15) in the TTN gene. While this is not anticipated to result in nonsense mediated decay, it is expected to create a truncated TTN protein.

Literature cited by the submitters: PubMed 25589632; PubMed 23975875.